The following is an entry in ClinVar:

ClinVar aggregate classification (germline): Benign. Review status: criteria provided, multiple submitters, no conflicts (2 of 4 stars). 2 submissions from 2 submitters: Benign (2). Last evaluated 2018-06-18.

Allele frequency attached by ClinVar (database versions not stated): 1000 Genomes Project 0.12081; 1000 Genomes Project 30x 0.12211; TOPMed 0.17296; gnomAD 0.18530 and 0.18654; ESP Exome Variant Server 0.18824; ExAC 0.20744; gnomAD exomes 0.21032.
gnomAD v4.1: 376,277 of 1,606,824 alleles (23%); highest among the groups gnomAD compares: Non-Finnish European, 26%; 46,881 homozygotes.

Submissions (2):

GeneDx
Classification: Benign. Last evaluated: 2018-06-18. Review status: criteria provided, single submitter. Criteria: GeneDx Variant Classification (06012015). Collection method: clinical testing. Allele origin: germline. Affected: yes.
Comment: This variant is considered likely benign or benign based on one or more of the following criteria: it is a conservative change, it occurs at a poorly conserved position in the protein, it is predicted to be benign by multiple in silico algorithms, and/or has population frequency not consistent with disease.

Breakthrough Genomics
Classification: Benign. Review status: criteria provided, single submitter. Criteria: ACMG Guidelines, 2015. Collection method: not provided. Allele origin: germline. Inheritance: Unknown mechanism. Affected: yes.

NM_004517.4(ILK):c.618+23T>C

Genes: ILK (integrin linked kinase; plus strand), TAF10 (TATA-box binding protein associated factor 10; minus strand). Cytogenetic location: 11p15.4.
Variant type: single nucleotide variant.
Coding change: c.618+23T>C on transcript NM_004517.4 (MANE Select); 23 bases into the intron after coding-DNA position 618, T replaced by C.
Molecular consequence: intron variant. On other transcripts: 3 prime UTR variant (1).
Genome position (GRCh38, 1-based): chr11:6,609,179, T>C. VCF-style: chr11-6609179-T-C. GRCh37 (hg19) VCF-style: chr11-6630410-T-C.
Other names: c.*1743A>G (NM_006284.4); c.618+23T>C (NM_001014795.3, NM_001014794.3); c.436-120T>C (NM_001278441.2); c.216+23T>C (NM_001278442.2).
Identifiers: ClinVar variation 671242 (VCV000671242.3), dbSNP rs11826498, ClinGen allele CA5858118.